The following is an entry in ClinVar:

NM_000173.7(GP1BA):c.206C>T (p.Pro69Leu)

Gene: GP1BA (glycoprotein Ib platelet subunit alpha; plus strand). Cytogenetic location: 17p13.2.
Variant type: single nucleotide variant.
Coding change: c.206C>T on transcript NM_000173.7 (MANE Select); coding-DNA position 206, C replaced by T.
Protein change: p.Pro69Leu; replaces proline 69 with leucine.
Molecular consequence: missense variant.
Genome position (GRCh38, 1-based): chr17:4,932,810, C>T. VCF-style: chr17-4932810-C-T. GRCh37 (hg19) VCF-style: chr17-4836105-C-T.
Other names: NM_000173.7(GP1BA):c.206C>T; p.Pro69Leu; c.206C>T (NM_000173.5); short protein forms P69L.
Identifiers: ClinVar variation 1285165 (VCV001285165.16), dbSNP rs138825640, ClinGen allele CA8314719.

ClinVar aggregate classification (germline): Benign. Review status: reviewed by expert panel (3 of 4 stars). 10 submissions from 9 submitters: Benign (1). 9 of the submissions do not count toward it. Last evaluated 2025-02-11.

Conditions:
Bernard Soulier syndrome (BSS). Also called: BLEEDING DISORDER, PLATELET-TYPE, 1; Giant platelet syndrome; Hemorrhagiparous thrombocytic dystrophy; Giant platelet disease; GLYCOPROTEIN Ib, PLATELET, DEFICIENCY OF; PLATELET GLYCOPROTEIN Ib DEFICIENCY. Identifiers: Orphanet 274, MedGen C0005129, MeSH D001606, MONDO:0009276, OMIM 231200.
Bernard-Soulier syndrome, type A2, autosomal dominant (BSSA2). Also called: Bernard-Soulier syndrome, type A2 (dominant). Identifiers: Orphanet 274, MedGen C3277076, MONDO:0007930, OMIM 153670.

Allele frequency attached by ClinVar (database versions not stated): 1000 Genomes Project 30x 0.00078; 1000 Genomes Project 0.00080; TOPMed 0.00157; gnomAD 0.00173 and 0.00175; gnomAD exomes 0.00175 and 0.00251; ExAC 0.00187; ESP Exome Variant Server 0.00232.

Submissions (10):

ClinGen Platelet Disorders Variant Curation Expert Panel, ClinGen
Classification: Benign for Bernard Soulier syndrome. Last evaluated: 2025-02-11. Review status: reviewed by expert panel. Criteria: ClinGen Platelet ACMG Specifications GP1BA V1.0.0. Collection method: curation. Allele origin: germline. Inheritance: Autosomal recessive inheritance.
Comment: The missense variant NM_000173.7(GP1BA):c.206C>T (p.Pro69Leu) occurs at a Grpmax filtering allele frequency in gnomAD v4.1 of 0.002916 (based on 3539/1179884 alleles) in the European (non-Finnish) population, (>0.001; BA1). This variant has been reported in at least two families with macrothrombocytopenia or Bernard-Soulier syndrome (PMIDs: 18065693, 25370924) but alternate causes of disease were identified. In summary, this variant meets the criteria to be classified as Benign for autosomal recessive Bernard-Soulier syndrome based on the ACMG/AMP criteria applied, as specified by the ClinGen PD VCEP: BA1 (ClinGen Platelet Disorders VCEP specifications version 1).

Women's Health and Genetics/Laboratory Corporation of America, LabCorp
Classification: Likely benign. Last evaluated: 2026-06-03. Review status: criteria provided, single submitter. Criteria: LabCorp Variant Classification Summary - May 2015. Collection method: clinical testing. Allele origin: germline. Not counted in ClinVar's aggregate classification.
Comment: Variant summary: GP1BA c.206C>T (p.Pro69Leu) results in a non-conservative amino acid change in the encoded protein sequence. Algorithms developed to predict the effect of missense changes on protein structure and function are either unavailable or do not agree on the potential impact of this missense change. The variant allele was found at a frequency of 0.0017 in 249278 control chromosomes, predominantly at a frequency of 0.0031 within the Non-Finnish European subpopulation in the gnomAD database. The observed variant frequency within Non-Finnish European control individuals in the gnomAD database exceeds the estimated maximal expected allele frequency for disease-causing variants in GP1BA. c.206C>T has been observed in in a family with macrothrombocytopenia and Bernard-Soulier syndrome with evidence supporting benign effect of this variant (Ghevaert_2008 and Bragadottir_2015). These report(s) do not provide unequivocal conclusions about association of the variant with disease. To our knowledge, no experimental evidence demonstrating an impact on protein function has been reported. The following publications have been ascertained in the context of this evaluation (PMID: 25370924, 18065693, 32757236, 30349881). Based on the evidence outlined above, the variant was classified as likely benign.

Blueprint Genetics
Classification: Likely benign. Last evaluated: 2024-11-27. Review status: criteria provided, single submitter. Criteria: ACMG Guidelines, 2015. Collection method: clinical testing. Allele origin: germline. Not counted in ClinVar's aggregate classification.

GeneDx
Classification: Uncertain significance. Last evaluated: 2024-07-15. Review status: criteria provided, single submitter. Criteria: GeneDx Variant Classification Process June 2021. Collection method: clinical testing. Allele origin: germline. Affected: yes. Not counted in ClinVar's aggregate classification.
Comment: In silico analysis supports that this missense variant has a deleterious effect on protein structure/function; Reported in a patient with macrothrombocytopenia in the published literature who also had a variant in ITGB3 gene that is thought to be responsible for the phenotype (PMID: 18065693); Reported in an individual with thrombocytopenia in the published literature (PMID: 30349881); This variant is associated with the following publications: (PMID: 32757236, 25370924, 18065693, 30349881)

Mayo Clinic Laboratories, Mayo Clinic
Classification: Likely benign. Last evaluated: 2024-02-15. Review status: criteria provided, single submitter. Criteria: ACMG Guidelines, 2015. Collection method: clinical testing. Allele origin: germline. Observed: 3 variant alleles. Not counted in ClinVar's aggregate classification.
Comment: BS1, BS4_supporting, BP4, BP5, PM1_supporting

Genetic Services Laboratory, University of Chicago
Classification: Uncertain significance. Last evaluated: 2021-08-06. Review status: criteria provided, single submitter. Criteria: ACMG Guidelines, 2015. Collection method: clinical testing. Allele origin: germline. Affected: no. Not counted in ClinVar's aggregate classification.
Comment: DNA sequence analysis of the GP1BA gene demonstrated a sequence change, c.206C>T, in exon 2 that results in an amino acid change, p.Pro69Leu. This sequence change does not appear to have been previously described in individuals with GP1BA-related disorders. This sequence change has been described in the gnomAD database with a low frequency of 0.30% in the non-Finnish European subpopulation (dbSNP rs138825640). The p.Pro69Leu change affects a poorly conserved amino acid residue of the GP1BA protein. The p.Pro69Leu substitution appears to be benign using several in-silico pathogenicity prediction tools (SIFT, PolyPhen2, Align GVGD, REVEL). Due to the lack of sufficient evidence, the clinical significance of the p.Pro69Leu change remains unknown at this time.

ISTH-SSC Genomics in Thrombosis and Hemostasis, KU Leuven, Center for Molecular and Vascular Biology
Classification: Uncertain significance for Bernard-Soulier syndrome, type A2, autosomal dominant. Review status: criteria provided, single submitter. Criteria: ACMG Guidelines, 2015. Collection method: clinical testing. Allele origin: germline. Affected: yes. Observed: 1 heterozygote. Not counted in ClinVar's aggregate classification.
Comment: Submitted to GoldVariant by Jose María Bastida and José Rivera; Grupo Español de Alteraciones Plaquetarias Congénitas (GEAPC)

Genome Diagnostics Laboratory, University Medical Center Utrecht
Classification: Likely benign. Review status: no assertion criteria provided. Collection method: clinical testing. Allele origin: germline. Affected: yes. Study: VKGL Data-share Consensus. Not counted in ClinVar's aggregate classification.

ISTH-SSC Genomics in Thrombosis and Hemostasis, KU Leuven, Center for Molecular and Vascular Biology
Classification: Uncertain significance for Bernard Soulier syndrome. Review status: no assertion criteria provided. Collection method: research. Allele origin: unknown. Affected: yes. Not counted in ClinVar's aggregate classification.
Comment: Submitted to GoldVariant by Neil Morgan from Birmingham Platelet Group, Birmingham, UK

Joint Genome Diagnostic Labs from Nijmegen and Maastricht, Radboudumc and MUMC+
Classification: Benign. Review status: no assertion criteria provided. Collection method: clinical testing. Allele origin: germline. Affected: yes. Study: VKGL Data-share Consensus. Not counted in ClinVar's aggregate classification.

Literature cited by the submitters: PubMed 25370924 (cited by Women's Health and Genetics/Laboratory Corporation of America, LabCorp); PubMed 18065693 (cited by Women's Health and Genetics/Laboratory Corporation of America, LabCorp); PubMed 32757236 (cited by Women's Health and Genetics/Laboratory Corporation of America, LabCorp); PubMed 30349881 (cited by Women's Health and Genetics/Laboratory Corporation of America, LabCorp).